The following is an entry in ClinVar:

ClinVar aggregate classification (germline): Likely benign. Review status: criteria provided, multiple submitters, no conflicts (2 of 4 stars). 6 submissions from 6 submitters: Likely benign (6). Last evaluated 2026-01-19.

Conditions:
Primary ciliary dyskinesia. Also called: Ciliary dyskinesia. Identifiers: Orphanet 244, MedGen C0008780, MONDO:0016575, HP:0012265.

Allele frequency attached by ClinVar (database versions not stated): gnomAD 0.00066 and 0.00068; ESP Exome Variant Server 0.00092; gnomAD exomes 0.00041 and 0.00064; ExAC 0.00059; TOPMed 0.00060.
gnomAD v4.1: 716 of 1,614,048 alleles (0.044%); highest among the groups gnomAD compares: Middle Eastern, 0.15%; 2 homozygotes.

Submissions (6):

Labcorp Genetics (formerly Invitae), Labcorp
Classification: Likely benign for Primary ciliary dyskinesia. Last evaluated: 2026-01-19. Review status: criteria provided, single submitter. Criteria: Invitae Variant Classification Sherloc (09022015). Collection method: clinical testing. Allele origin: germline.

Mayo Clinic Laboratories, Mayo Clinic
Classification: Likely benign. Last evaluated: 2025-05-20. Review status: criteria provided, single submitter. Criteria: ACMG Guidelines, 2015. Collection method: clinical testing. Allele origin: germline. Observed: 1 variant allele.
Comment: BS1, BP4_moderate

CeGaT Center for Human Genetics Tuebingen
Classification: Likely benign. Last evaluated: 2025-05-01. Review status: criteria provided, single submitter. Criteria: CeGaT Center For Human Genetics Tuebingen Variant Classification Criteria Version 2. Collection method: clinical testing. Allele origin: germline. Affected: yes. Observed: 3 variant alleles.
Comment: DNAI1: BP4

Blueprint Genetics
Classification: Likely benign. Last evaluated: 2024-11-07. Review status: criteria provided, single submitter. Criteria: ACMG Guidelines, 2015. Collection method: clinical testing. Allele origin: germline.

Ambry Genetics
Classification: Likely benign for Primary ciliary dyskinesia. Last evaluated: 2021-08-24. Review status: criteria provided, single submitter. Criteria: Ambry Variant Classification Scheme 2023. Collection method: clinical testing. Allele origin: germline.

PreventionGenetics, part of Exact Sciences
Classification: Likely benign. Review status: criteria provided, single submitter. Criteria: ACMG Guidelines, 2015. Collection method: clinical testing. Allele origin: germline.

Literature cited by the submitters: PubMed 16858015 (cited by Ambry Genetics).

NM_012144.4(DNAI1):c.1177G>A (p.Val393Met)

Gene: DNAI1 (dynein axonemal intermediate chain 1; plus strand). Cytogenetic location: 9p13.3.
Variant type: single nucleotide variant.
Coding change: c.1177G>A on transcript NM_012144.4 (MANE Select); coding-DNA position 1177, G replaced by A.
Protein change: p.Val393Met; replaces valine 393 with methionine.
Molecular consequence: missense variant.
Genome position (GRCh38, 1-based): chr9:34,506,740, G>A. VCF-style: chr9-34506740-G-A. GRCh37 (hg19) VCF-style: chr9-34506738-G-A.
Other names: p.Val393Met; c.1189G>A, p.Val397Met (NM_001281428.2); short protein forms V393M, V397M.
Identifiers: ClinVar variation 260197 (VCV000260197.41), dbSNP rs141089746, ClinGen allele CA5034315.